The following is an entry in ClinVar:

NM_001042492.3(NF1):c.6748G>T (p.Val2250Phe)

Gene: NF1 (neurofibromin 1; plus strand). Cytogenetic location: 17q11.2.
Variant type: single nucleotide variant.
Coding change: c.6748G>T on transcript NM_001042492.3 (MANE Select); coding-DNA position 6748, G replaced by T.
Protein change: p.Val2250Phe; replaces valine 2250 with phenylalanine.
Molecular consequence: missense variant.
Genome position (GRCh38, 1-based): chr17:31,338,068, G>T. VCF-style: chr17-31338068-G-T. GRCh37 (hg19) VCF-style: chr17-29665086-G-T.
Other names: c.6685G>T, p.Val2229Phe (NM_000267.4); short protein forms V2250F, V2229F.
Identifiers: ClinVar variation 2090579 (VCV002090579.4), dbSNP rs1208488322, ClinGen allele CA399014074.
Genomic context (GRCh38, chr17:31,338,068, plus strand): 5'-GGATCTTTTAATTGCAGATTTGCATTCCAATATAATCCATCCCTGCAACCAAGAGCTCTT[G>T]TTGTCTTTGGGTGTATTAGCAAACGAGTGTCTCATGGGCAGATAAAGCAGATAATCCGTA-3'
Protein context (NP_001035957.1, residues 2240-2260): YNPSLQPRAL[Val2250Phe]VFGCISKRVS

ClinVar aggregate classification (germline): Uncertain significance (1 of 4 stars; one submission).

Conditions:
Neurofibromatosis, type 1 (NF1). Also called: NEUROFIBROMATOSIS, TYPE I, SOMATIC; Neurofibromatosis, type I; Peripheral type neurofibromatosis; VON RECKLINGHAUSEN DISEASE. Identifiers: Orphanet 636, MedGen C0027831, MONDO:0018975, OMIM 162200. Disease mechanism: loss of function.

Submission:

Labcorp Genetics (formerly Invitae), Labcorp
Classification: Uncertain significance for Neurofibromatosis, type 1. Last evaluated: 2022-02-01. Review status: criteria provided, single submitter. Criteria: Invitae Variant Classification Sherloc (09022015). Collection method: clinical testing. Allele origin: germline.
Comment: In summary, the available evidence is currently insufficient to determine the role of this variant in disease. Therefore, it has been classified as a Variant of Uncertain Significance. Advanced modeling of protein sequence and biophysical properties (such as structural, functional, and spatial information, amino acid conservation, physicochemical variation, residue mobility, and thermodynamic stability) performed at Invitae indicates that this missense variant is expected to disrupt NF1 protein function. This variant has not been reported in the literature in individuals affected with NF1-related conditions. This variant is not present in population databases (gnomAD no frequency). This sequence change replaces valine, which is neutral and non-polar, with phenylalanine, which is neutral and non-polar, at codon 2229 of the NF1 protein (p.Val2229Phe).